The following is an entry in ClinVar:

NM_013266.4(CTNNA3):c.130C>A (p.Pro44Thr)

Gene: CTNNA3 (catenin alpha 3; minus strand). Cytogenetic location: 10q21.3.
Variant type: single nucleotide variant.
Coding change: c.130C>A on transcript NM_013266.4 (MANE Select); coding-DNA position 130, C replaced by A.
Protein change: p.Pro44Thr; replaces proline 44 with threonine.
Molecular consequence: missense variant.
Genome position (GRCh38, 1-based): chr10:67,607,019, G>T on the plus strand (C>A on the coding strand, the complement: CTNNA3 is on the minus strand). VCF-style: chr10-67607019-G-T. GRCh37 (hg19) VCF-style: chr10-69366777-G-T.
Other names: c.130C>A, p.Pro44Thr (NM_001127384.3); c.166C>A, p.Pro56Thr (NM_001291133.2); short protein forms P44T, P56T.
Identifiers: ClinVar variation 3620083 (VCV003620083.2).

ClinVar aggregate classification (germline): Uncertain significance (1 of 4 stars; one submission).

Conditions:
Arrhythmogenic right ventricular dysplasia 13. Also called: ARRHYTHMOGENIC RIGHT VENTRICULAR CARDIOMYOPATHY 13; Arrhythmogenic right ventricular dysplasia, familial, 13. Identifiers: MedGen C3810138, MONDO:0000908, OMIM 615616.

gnomAD v4.1: 3 of 1,613,814 alleles (0.00019%); highest among the groups gnomAD compares: Non-Finnish European, 0.00025%; no homozygotes.

Submission:

Labcorp Genetics (formerly Invitae), Labcorp
Classification: Uncertain significance for Arrhythmogenic right ventricular dysplasia 13. Last evaluated: 2024-07-02. Review status: criteria provided, single submitter. Criteria: Invitae Variant Classification Sherloc (09022015). Collection method: clinical testing. Allele origin: germline.
Comment: This sequence change replaces proline, which is neutral and non-polar, with threonine, which is neutral and polar, at codon 44 of the CTNNA3 protein (p.Pro44Thr). This variant is present in population databases (rs759426077, gnomAD 0.0009%). This variant has not been reported in the literature in individuals affected with CTNNA3-related conditions. Advanced modeling of protein sequence and biophysical properties (such as structural, functional, and spatial information, amino acid conservation, physicochemical variation, residue mobility, and thermodynamic stability) has been performed at Invitae for this missense variant, however the output from this modeling did not meet the statistical confidence thresholds required to predict the impact of this variant on CTNNA3 protein function. In summary, the available evidence is currently insufficient to determine the role of this variant in disease. Therefore, it has been classified as a Variant of Uncertain Significance.